The following is an entry in ClinVar:

ClinVar aggregate classification (germline): Likely benign (1 of 4 stars; one submission).

Submission:

CeGaT Center for Human Genetics Tuebingen
Classification: Likely benign. Last evaluated: 2026-03-01. Review status: criteria provided, single submitter. Criteria: CeGaT Center For Human Genetics Tuebingen Variant Classification Criteria Version 2. Collection method: clinical testing. Allele origin: germline. Affected: yes. Observed: 1 variant allele.
Comment: DSPP: BP4, BP7

NM_014208.3(DSPP):c.3129T>C (p.Ser1043=)

Genes: DMP1-AS1 (DMP1 and DSPP antisense RNA 1; minus strand), DSPP (dentin sialophosphoprotein; plus strand). Cytogenetic location: 4q22.1.
Variant type: single nucleotide variant.
Coding change: c.3129T>C on transcript NM_014208.3 (MANE Select); coding-DNA position 3129, T replaced by C.
Protein change: p.Ser1043=; no amino-acid change (serine 1043 retained).
Molecular consequence: synonymous variant.
Genome position (GRCh38, 1-based): chr4:87,615,791, T>C. VCF-style: chr4-87615791-T-C. GRCh37 (hg19) VCF-style: chr4-88536943-T-C.
Identifiers: ClinVar variation 4820725 (VCV004820725.4).
Genomic context (GRCh38, chr4:87,615,791, plus strand): 5'-TAGCAGTGACAGCAGCAACAGCAGTGACAGCAGCGATAGCAGTGACAGCAGCGATAGCAG[T>C]GACAGCAGCGATAGCAGTGACAGCAGTGACAGCAGCAATAGCAGTGACAGCAGTGACAGC-3'
Protein context (NP_055023.2, residues 1033-1053): SSDSSDSSDS[Ser1043=]DSSDSSDSSD